The following is an entry in ClinVar:

NM_001042646.3(TRAK1):c.361G>A (p.Glu121Lys)

Gene: TRAK1 (trafficking kinesin protein 1; plus strand). Cytogenetic location: 3p22.1.
Variant type: single nucleotide variant.
Coding change: c.361G>A on transcript NM_001042646.3 (MANE Select); coding-DNA position 361, G replaced by A.
Protein change: p.Glu121Lys; replaces glutamic acid 121 with lysine.
Molecular consequence: missense variant. On other transcripts: non-coding transcript variant (1).
Genome position (GRCh38, 1-based): chr3:42,176,888, G>A. VCF-style: chr3-42176888-G-A. GRCh37 (hg19) VCF-style: chr3-42218380-G-A.
Other names: c.361G>A, p.Glu121Lys (NM_001265608.2, NM_001349246.2, NM_001349247.2); c.139G>A, p.Glu47Lys (NM_001265609.2, NM_001265610.1, NM_001349248.1 and 1 more transcripts); c.49G>A, p.Glu17Lys (NM_001349245.1); c.187G>A, p.Glu63Lys (NM_001410741.1, NM_014965.5); short protein forms E63K, E47K, E17K, E121K.
Identifiers: ClinVar variation 2080247 (VCV002080247.4), dbSNP rs2472512700, ClinGen allele CA352238679.

ClinVar aggregate classification (germline): Uncertain significance (1 of 4 stars; one submission).

Submission:

Labcorp Genetics (formerly Invitae), Labcorp
Classification: Uncertain significance. Last evaluated: 2024-10-22. Review status: criteria provided, single submitter. Criteria: Invitae Variant Classification Sherloc (09022015). Collection method: clinical testing. Allele origin: germline.
Comment: This sequence change replaces glutamic acid, which is acidic and polar, with lysine, which is basic and polar, at codon 121 of the TRAK1 protein (p.Glu121Lys). This variant is not present in population databases (gnomAD no frequency). This variant has not been reported in the literature in individuals affected with TRAK1-related conditions. ClinVar contains an entry for this variant (Variation ID: 2080247). An algorithm developed to predict the effect of missense changes on protein structure and function (PolyPhen-2) suggests that this variant is likely to be disruptive. In summary, the available evidence is currently insufficient to determine the role of this variant in disease. Therefore, it has been classified as a Variant of Uncertain Significance.